The following is an entry in ClinVar:

NM_000138.5(FBN1):c.7367A>G (p.Asn2456Ser)

Gene: FBN1 (fibrillin 1; minus strand). Cytogenetic location: 15q21.1.
Variant type: single nucleotide variant.
Coding change: c.7367A>G on transcript NM_000138.5 (MANE Select); coding-DNA position 7367, A replaced by G.
Protein change: p.Asn2456Ser; replaces asparagine 2456 with serine.
Molecular consequence: missense variant.
Genome position (GRCh38, 1-based): chr15:48,425,455, T>C on the plus strand (A>G on the coding strand, the complement: FBN1 is on the minus strand). VCF-style: chr15-48425455-T-C. GRCh37 (hg19) VCF-style: chr15-48717652-T-C.
Other names: short protein forms N2456S.
Identifiers: ClinVar variation 919568 (VCV000919568.5), dbSNP rs2042971753, ClinGen allele CA392327937.

ClinVar aggregate classification (germline): Uncertain significance. Review status: criteria provided, multiple submitters, no conflicts (2 of 4 stars). 2 submissions from 2 submitters: Uncertain significance (2). Last evaluated 2025-04-17.

Conditions:
Familial thoracic aortic aneurysm and aortic dissection (TAAD). Also called: Thoracic aortic aneurysms and dissections. Identifiers: Orphanet 91387, MedGen C4707243, MONDO:0019625.
Marfan syndrome (MFS). Also called: Marfan syndrome, classic; Marfan syndrome type 1; Marfan's syndrome; FBN1-Related Marfan Syndrome; MARFAN SYNDROME, TYPE I. Identifiers: Orphanet 284963, Orphanet 558, MedGen C0024796, MONDO:0007947, OMIM 154700.

Allele frequency attached by ClinVar (database versions not stated): gnomAD exomes below 0.00001.
gnomAD v4.1: 1 of 1,614,090 alleles (0.000062%); no homozygotes.

Submissions (2):

Labcorp Genetics (formerly Invitae), Labcorp
Classification: Uncertain significance for Marfan syndrome; Familial thoracic aortic aneurysm and aortic dissection. Last evaluated: 2025-04-17. Review status: criteria provided, single submitter. Criteria: Invitae Variant Classification Sherloc (09022015). Collection method: clinical testing. Allele origin: germline.
Comment: This sequence change replaces asparagine, which is neutral and polar, with serine, which is neutral and polar, at codon 2456 of the FBN1 protein (p.Asn2456Ser). This variant is not present in population databases (gnomAD no frequency). This variant has not been reported in the literature in individuals affected with FBN1-related conditions. ClinVar contains an entry for this variant (Variation ID: 919568). Invitae Evidence Modeling of protein sequence and biophysical properties (such as structural, functional, and spatial information, amino acid conservation, physicochemical variation, residue mobility, and thermodynamic stability) indicates that this missense variant is not expected to disrupt FBN1 protein function with a negative predictive value of 95%. In summary, the available evidence is currently insufficient to determine the role of this variant in disease. Therefore, it has been classified as a Variant of Uncertain Significance.

Color Diagnostics, LLC DBA Color Health
Classification: Uncertain significance for Familial thoracic aortic aneurysm and aortic dissection. Last evaluated: 2024-03-06. Review status: criteria provided, single submitter. Criteria: ACMG Guidelines, 2015. Collection method: clinical testing. Allele origin: germline.
Comment: This missense variant replaces asparagine with serine at codon 2456 of the FBN1 protein. Computational prediction tool suggests that this variant may not impact protein structure and function (internally defined REVEL score threshold <=0.5, PMID: 27666373). Splice site prediction tools suggest that this variant may not impact RNA splicing. To our knowledge, functional studies have not been performed for this variant. This variant has not been reported in individuals affected with cardiovascular disorders in the literature. This variant has not been identified in the general population by the Genome Aggregation Database (gnomAD). The available evidence is insufficient to determine the role of this variant in disease conclusively. Therefore, this variant is classified as a Variant of Uncertain Significance.